The following is an entry in ClinVar:

NM_001378454.1(ALMS1):c.2057G>A (p.Gly686Asp)

Gene: ALMS1 (ALMS1 centrosome and basal body associated protein; plus strand). Cytogenetic location: 2p13.1.
Variant type: single nucleotide variant.
Coding change: c.2057G>A on transcript NM_001378454.1 (MANE Select); coding-DNA position 2057, G replaced by A.
Protein change: p.Gly686Asp; replaces glycine 686 with aspartic acid.
Molecular consequence: missense variant.
Genome position (GRCh38, 1-based): chr2:73,448,584, G>A. VCF-style: chr2-73448584-G-A. GRCh37 (hg19) VCF-style: chr2-73675711-G-A.
Other names: c.2060G>A, p.Gly687Asp (NM_015120.4); short protein forms G686D, G687D.
Identifiers: ClinVar variation 2005224 (VCV002005224.2), dbSNP rs761213863, ClinGen allele CA1713269.

ClinVar aggregate classification (germline): Uncertain significance. Review status: criteria provided, multiple submitters, no conflicts (2 of 4 stars). 2 submissions from 2 submitters: Uncertain significance (2). Last evaluated 2024-02-28.

Conditions:
Alstrom syndrome (ALMS). Identifiers: Orphanet 64, MedGen C0268425, MONDO:0008763, OMIM 203800.

Allele frequency attached by ClinVar (database versions not stated): gnomAD exomes below 0.00001; ExAC 0.00001.
gnomAD v4.1: 1 of 1,613,622 alleles (0.000062%); highest among the groups gnomAD compares: East Asian, 0.0022%; no homozygotes.

Submissions (2):

GeneDx
Classification: Uncertain significance. Last evaluated: 2024-02-28. Review status: criteria provided, single submitter. Criteria: GeneDx Variant Classification Process June 2021. Collection method: clinical testing. Allele origin: germline. Affected: yes.
Comment: Not observed at significant frequency in large population cohorts (gnomAD); In silico analysis supports that this missense variant has a deleterious effect on protein structure/function; Has not been previously published as pathogenic or benign to our knowledge

Labcorp Genetics (formerly Invitae), Labcorp
Classification: Uncertain significance for Alstrom syndrome. Last evaluated: 2022-06-15. Review status: criteria provided, single submitter. Criteria: Invitae Variant Classification Sherloc (09022015). Collection method: clinical testing. Allele origin: germline.
Comment: This sequence change replaces glycine, which is neutral and non-polar, with aspartic acid, which is acidic and polar, at codon 687 of the ALMS1 protein (p.Gly687Asp). This variant is present in population databases (rs761213863, gnomAD 0.006%). This variant has not been reported in the literature in individuals affected with ALMS1-related conditions. Experimental studies and prediction algorithms are not available or were not evaluated, and the functional significance of this variant is currently unknown. In summary, the available evidence is currently insufficient to determine the role of this variant in disease. Therefore, it has been classified as a Variant of Uncertain Significance.